The following is an entry in ClinVar:

ClinVar aggregate classification (germline): Uncertain significance (1 of 4 stars; one submission).

Conditions:
Primary ciliary dyskinesia. Also called: Ciliary dyskinesia. Identifiers: Orphanet 244, MedGen C0008780, MONDO:0016575, HP:0012265.

Allele frequency attached by ClinVar (database versions not stated): gnomAD exomes 0.00001; ExAC 0.00002.
gnomAD v4.1: 2 of 1,614,128 alleles (0.00012%); highest among the groups gnomAD compares: Non-Finnish European, 0.00017%; no homozygotes.

Submission:

Labcorp Genetics (formerly Invitae), Labcorp
Classification: Uncertain significance for Primary ciliary dyskinesia. Last evaluated: 2021-08-31. Review status: criteria provided, single submitter. Criteria: Invitae Variant Classification Sherloc (09022015). Collection method: clinical testing. Allele origin: germline.
Comment: This sequence change replaces tyrosine with cysteine at codon 2138 of the DNAH5 protein (p.Tyr2138Cys). The tyrosine residue is highly conserved and there is a large physicochemical difference between tyrosine and cysteine. This variant is present in population databases (rs769252635, ExAC 0.003%). This variant has not been reported in the literature in individuals affected with DNAH5-related conditions. Algorithms developed to predict the effect of missense changes on protein structure and function are either unavailable or do not agree on the potential impact of this missense change (SIFT: "Deleterious"; PolyPhen-2: "Probably Damaging"; Align-GVGD: "Class C0"). In summary, the available evidence is currently insufficient to determine the role of this variant in disease. Therefore, it has been classified as a Variant of Uncertain Significance.

NM_001369.3(DNAH5):c.6413A>G (p.Tyr2138Cys)

Gene: DNAH5 (dynein axonemal heavy chain 5; minus strand). Cytogenetic location: 5p15.2.
Variant type: single nucleotide variant.
Coding change: c.6413A>G on transcript NM_001369.3 (MANE Select); coding-DNA position 6413, A replaced by G.
Protein change: p.Tyr2138Cys; replaces tyrosine 2138 with cysteine.
Molecular consequence: missense variant.
Genome position (GRCh38, 1-based): chr5:13,829,541, T>C on the plus strand (A>G on the coding strand, the complement: DNAH5 is on the minus strand). VCF-style: chr5-13829541-T-C. GRCh37 (hg19) VCF-style: chr5-13829650-T-C.
Other names: short protein forms Y2138C.
Identifiers: ClinVar variation 525336 (VCV000525336.3), dbSNP rs769252635, ClinGen allele CA3203413.